The following is an entry in ClinVar:

ClinVar aggregate classification (germline): Uncertain significance (1 of 4 stars; one submission).

Conditions:
Combined oxidative phosphorylation defect type 17. Also called: Combined oxidative phosphorylation deficiency 17. Identifiers: Orphanet 369913, MedGen C3809526, MONDO:0014190, OMIM 615440.

gnomAD v4.1: 1 of 1,614,252 alleles (0.000062%); highest among the groups gnomAD compares: East Asian, 0.0022%; no homozygotes.

Submission:

Labcorp Genetics (formerly Invitae), Labcorp
Classification: Uncertain significance for Combined oxidative phosphorylation defect type 17. Last evaluated: 2022-06-20. Review status: criteria provided, single submitter. Criteria: Invitae Variant Classification Sherloc (09022015). Collection method: clinical testing. Allele origin: germline.
Comment: In summary, the available evidence is currently insufficient to determine the role of this variant in disease. Therefore, it has been classified as a Variant of Uncertain Significance. This sequence change replaces valine, which is neutral and non-polar, with methionine, which is neutral and non-polar, at codon 743 of the ELAC2 protein (p.Val743Met). This variant is not present in population databases (gnomAD no frequency). This variant has not been reported in the literature in individuals affected with ELAC2-related conditions. Algorithms developed to predict the effect of missense changes on protein structure and function are either unavailable or do not agree on the potential impact of this missense change (SIFT: "Deleterious"; PolyPhen-2: "Probably Damaging"; Align-GVGD: "Class C0").

NM_018127.7(ELAC2):c.2227G>A (p.Val743Met)

Gene: ELAC2 (elaC ribonuclease Z 2; minus strand). Cytogenetic location: 17p12.
Variant type: single nucleotide variant.
Coding change: c.2227G>A on transcript NM_018127.7 (MANE Select); coding-DNA position 2227, G replaced by A.
Protein change: p.Val743Met; replaces valine 743 with methionine.
Molecular consequence: missense variant.
Genome position (GRCh38, 1-based): chr17:12,993,713, C>T on the plus strand (G>A on the coding strand, the complement: ELAC2 is on the minus strand). VCF-style: chr17-12993713-C-T. GRCh37 (hg19) VCF-style: chr17-12897030-C-T.
Other names: c.2107G>A, p.Val703Met (NM_001165962.2); c.2224G>A, p.Val742Met (NM_173717.2); short protein forms V742M, V743M, V703M.
Identifiers: ClinVar variation 2008596 (VCV002008596.4), dbSNP rs1258429104, ClinGen allele CA398222528.